The following is an entry in ClinVar:

NM_004281.4(BAG3):c.1126C>G (p.Pro376Ala)

Gene: BAG3 (BAG cochaperone 3; plus strand). Cytogenetic location: 10q26.11.
Variant type: single nucleotide variant.
Coding change: c.1126C>G on transcript NM_004281.4 (MANE Select); coding-DNA position 1126, C replaced by G.
Protein change: p.Pro376Ala; replaces proline 376 with alanine.
Molecular consequence: missense variant.
Genome position (GRCh38, 1-based): chr10:119,676,680, C>G. VCF-style: chr10-119676680-C-G. GRCh37 (hg19) VCF-style: chr10-121436192-C-G.
Other names: short protein forms P376A.
Identifiers: ClinVar variation 3758656 (VCV003758656.2).
Genomic context (GRCh38, chr10:119,676,680, plus strand): 5'-CCACCTCCCTCTGAGAAGGTAGAGGTGAAAGTTCCCCCTGCTCCAGTTCCTTGTCCTCCT[C>G]CCAGCCCTGGCCCTTCTGCTGTCCCCTCTTCCCCCAAGAGTGTGGCTACAGAAGAGAGGG-3'
Protein context (NP_004272.2, residues 366-386): VPPAPVPCPP[Pro376Ala]SPGPSAVPSS

ClinVar aggregate classification (germline): Uncertain significance (1 of 4 stars; one submission).

Conditions:
Dilated cardiomyopathy 1HH (CMD1HH). Identifiers: Orphanet 154, MedGen C3151293, MONDO:0013479, OMIM 613881.
Myofibrillar myopathy 6. Identifiers: Orphanet 199340, MedGen C2751831, MONDO:0013061, OMIM 612954.

Submission:

Labcorp Genetics (formerly Invitae), Labcorp
Classification: Uncertain significance for Dilated cardiomyopathy 1HH; Myofibrillar myopathy 6. Last evaluated: 2024-09-30. Review status: criteria provided, single submitter. Criteria: Invitae Variant Classification Sherloc (09022015). Collection method: clinical testing. Allele origin: germline.
Comment: This sequence change replaces proline, which is neutral and non-polar, with alanine, which is neutral and non-polar, at codon 376 of the BAG3 protein (p.Pro376Ala). This variant is not present in population databases (gnomAD no frequency). This variant has not been reported in the literature in individuals affected with BAG3-related conditions. Invitae Evidence Modeling of protein sequence and biophysical properties (such as structural, functional, and spatial information, amino acid conservation, physicochemical variation, residue mobility, and thermodynamic stability) indicates that this missense variant is not expected to disrupt BAG3 protein function with a negative predictive value of 80%. In summary, the available evidence is currently insufficient to determine the role of this variant in disease. Therefore, it has been classified as a Variant of Uncertain Significance.